The following is an entry in ClinVar:

ClinVar aggregate classification (germline): Likely benign. Review status: criteria provided, single submitter (1 of 4 stars). 2 submissions from 2 submitters: Likely benign (1). 1 of the submissions does not count toward it. Last evaluated 2025-09-25.

Conditions:
ACOX2-related disorder. Also called: ACOX2-related condition.

Allele frequency attached by ClinVar (database versions not stated): TOPMed 0.00015; ExAC 0.00018; gnomAD exomes 0.00018; gnomAD 0.00021; ESP Exome Variant Server 0.00023.
gnomAD v4.1: 278 of 1,614,114 alleles (0.017%); highest among the groups gnomAD compares: Non-Finnish European, 0.022%; no homozygotes.

Submissions (2):

Labcorp Genetics (formerly Invitae), Labcorp
Classification: Likely benign. Last evaluated: 2025-09-25. Review status: criteria provided, single submitter. Criteria: Invitae Variant Classification Sherloc (09022015). Collection method: clinical testing. Allele origin: germline.

PreventionGenetics, part of Exact Sciences
Classification: Likely benign for ACOX2-related condition. Last evaluated: 2019-05-30. Review status: no assertion criteria provided. Collection method: clinical testing. Allele origin: germline. Not counted in ClinVar's aggregate classification.
Comment: This variant is classified as likely benign based on ACMG/AMP sequence variant interpretation guidelines (Richards et al. 2015 PMID: 25741868, with internal and published modifications).

NM_003500.4(ACOX2):c.1923T>C (p.Tyr641=)

Gene: ACOX2 (acyl-CoA oxidase 2; minus strand). Cytogenetic location: 3p14.3.
Variant type: single nucleotide variant.
Coding change: c.1923T>C on transcript NM_003500.4 (MANE Select); coding-DNA position 1923, T replaced by C.
Protein change: p.Tyr641=; no amino-acid change (tyrosine 641 retained).
Molecular consequence: synonymous variant.
Genome position (GRCh38, 1-based): chr3:58,508,953, A>G on the plus strand (T>C on the coding strand, the complement: ACOX2 is on the minus strand). VCF-style: chr3-58508953-A-G. GRCh37 (hg19) VCF-style: chr3-58494680-A-G.
Other names: c.1923T>C (NM_003500.3).
Identifiers: ClinVar variation 2173068 (VCV002173068.6), dbSNP rs371093489, ClinGen allele CA2471896.